The following is an entry in ClinVar:

NM_000380.4(XPA):c.4_10dup (p.Ala4fs)

Gene: XPA (XPA, DNA damage recognition and repair factor; minus strand). Cytogenetic location: 9q22.33.
Variant type: Duplication.
Coding change: c.4_10dup on transcript NM_000380.4 (MANE Select); coding-DNA positions 4 to 10, 7 bases duplicated (GCGGCGG; older notation c.4_10dupGCGGCGG).
Protein change: p.Ala4fs; shifts the reading frame from alanine 4.
Molecular consequence: frameshift variant, initiator codon variant. On other transcripts: 5 prime UTR variant (1), non-coding transcript variant (5).
Genome position (GRCh38, 1-based): chr9:97,697,283-97,697,289, CCGCCGC duplicated on the plus strand (GCGGCGG on the coding strand, the reverse complement: XPA is on the minus strand); duplicating any 7 consecutive bases within chr9:97,697,283-97,697,290 gives the same sequence; the c. name uses the placement nearest the transcript's 3' end. VCF-style (leftmost placement, unchanged base first): chr9-97697282-G-GCCGCCGC. GRCh37 (hg19) VCF-style: chr9-100459564-G-GCCGCCGC.
Other names: c.-1146_-1140dup (NM_001354975.2); short protein forms A4fs.
Identifiers: ClinVar variation 2008554 (VCV002008554.5), dbSNP rs2490247599, ClinGen allele CA2580080766.
Genomic context (GRCh38, chr9:97,697,282, plus strand): 5'-ACCGAGGCAGGCAGCTCCGCGGGTTGCTCTAAAGCCGCCGCCTCCGGCAAAGCCCCGTCG[G>GCCGCCGC]CCGCCGCCATCTCTGGCCCACTCCGAGGACCTAGCTCCCAGCTCCACGCACGCGCACTGC-3'

ClinVar aggregate classification (germline): Pathogenic (1 of 4 stars; one submission).

Submission:

Labcorp Genetics (formerly Invitae), Labcorp
Classification: Pathogenic. Last evaluated: 2022-06-19. Review status: criteria provided, single submitter. Criteria: Invitae Variant Classification Sherloc (09022015). Collection method: clinical testing. Allele origin: germline.
Comment: For these reasons, this variant has been classified as Pathogenic. This variant has not been reported in the literature in individuals affected with XPA-related conditions. This variant is not present in population databases (gnomAD no frequency). This sequence change creates a premature translational stop signal (p.Ala4Glyfs*60) in the XPA gene. It is expected to result in an absent or disrupted protein product. Loss-of-function variants in XPA are known to be pathogenic (PMID: 27607234).

Literature cited by the submitters: PubMed 27607234.